The following is an entry in ClinVar:

NM_000038.6(APC):c.3504_3506del (p.Glu1169del)

Gene: APC (APC regulator of Wnt signaling pathway; plus strand). Cytogenetic location: 5q22.2.
Variant type: Deletion.
Coding change: c.3504_3506del on transcript NM_000038.6 (MANE Select); coding-DNA positions 3504 to 3506, 3 bases deleted (AGA; older notation c.3504_3506delAGA).
Protein change: p.Glu1169del; deletes glutamic acid 1169.
Molecular consequence: inframe deletion.
Genome position (GRCh38, 1-based): chr5:112,839,098-112,839,100, AGA deleted; deleting any 3 consecutive bases within chr5:112,839,096-112,839,100 gives the same sequence; the c. name uses the placement nearest the transcript's 3' end. VCF-style (leftmost placement, unchanged base first): chr5-112839095-TGAA-T. GRCh37 (hg19) VCF-style: chr5-112174792-TGAA-T.
Other names: c.3504_3506del, p.Glu1169del (NM_001127510.3, NM_001354895.2); c.3450_3452del, p.Glu1151del (NM_001127511.3); c.3558_3560del, p.Glu1187del (NM_001354896.2); c.3534_3536del, p.Glu1179del (NM_001354897.2); c.3429_3431del, p.Glu1144del (NM_001354898.2); c.3420_3422del, p.Glu1141del (NM_001354899.2); c.3381_3383del, p.Glu1128del (NM_001354900.2); c.3327_3329del, p.Glu1110del (NM_001354901.2); and 5 more; short protein forms E1151del, E1169del, E1009del, E1068del, E1110del, E1179del, E1043del, E1141del.
Identifiers: ClinVar variation 422540 (VCV000422540.29), dbSNP rs750693695, ClinGen allele CA16618082.

ClinVar aggregate classification (germline): Uncertain significance. Review status: criteria provided, multiple submitters, no conflicts (2 of 4 stars). 5 submissions from 5 submitters: Uncertain significance (5). Last evaluated 2025-10-14.

Conditions:
Familial adenomatous polyposis 1 (FAP1). Also called: FAMILIAL ADENOMATOUS POLYPOSIS 1, ATTENUATED; POLYPOSIS, ADENOMATOUS INTESTINAL. Identifiers: MedGen C2713442, MONDO:0021056, OMIM 175100. Disease mechanism: loss of function.
Hereditary cancer-predisposing syndrome. Also called: Hereditary neoplastic syndrome; Neoplastic Syndromes, Hereditary; Tumor predisposition; Hereditary Cancer Syndrome. Identifiers: Orphanet 140162, MedGen C0027672, MeSH D009386, MONDO:0015356.

Submissions (5):

Ambry Genetics
Classification: Uncertain significance for Hereditary cancer-predisposing syndrome. Last evaluated: 2025-10-14. Review status: criteria provided, single submitter. Criteria: Ambry Variant Classification Scheme 2023. Collection method: clinical testing. Allele origin: germline.
Comment: The c.3504_3506delAGA variant (also known as p.E1169del) is located in coding exon 15 of the APC gene. This variant results from an in-frame AGA deletion at nucleotide positions 3504 to 3506. This results in the in-frame deletion of a glutamic acid at codon 1169. This amino acid position is highly conserved in available vertebrate species. In addition, this alteration is predicted to be neutral by in silico analysis (Choi Y et al. PLoS ONE. 2012; 7(10):e46688). Based on the available evidence, the clinical significance of this variant remains unclear.

Color Diagnostics, LLC DBA Color Health
Classification: Uncertain significance for Hereditary cancer-predisposing syndrome. Last evaluated: 2025-09-03. Review status: criteria provided, single submitter. Criteria: ACMG Guidelines, 2015. Collection method: clinical testing. Allele origin: germline.
Comment: This variant deletes a single amino acid at codon 1169 in exon 16 of the APC protein. To our knowledge, functional studies have not been reported for this variant. This variant has not been reported in individuals affected with APC-related disorders in the literature. This variant has not been identified in the general population by the Genome Aggregation Database (gnomAD). The available evidence is insufficient to determine the role of this variant in disease conclusively. Therefore, this variant is classified as a Variant of Uncertain Significance.

Labcorp Genetics (formerly Invitae), Labcorp
Classification: Uncertain significance for Familial adenomatous polyposis 1. Last evaluated: 2024-07-18. Review status: criteria provided, single submitter. Criteria: Invitae Variant Classification Sherloc (09022015). Collection method: clinical testing. Allele origin: germline.
Comment: This variant, c.3504_3506del, results in the deletion of 1 amino acid(s) of the APC protein (p.Glu1169del), but otherwise preserves the integrity of the reading frame. This variant is not present in population databases (gnomAD no frequency). This variant has not been reported in the literature in individuals affected with APC-related conditions. ClinVar contains an entry for this variant (Variation ID: 422540). Experimental studies and prediction algorithms are not available or were not evaluated, and the functional significance of this variant is currently unknown. In summary, the available evidence is currently insufficient to determine the role of this variant in disease. Therefore, it has been classified as a Variant of Uncertain Significance.

Baylor Genetics
Classification: Uncertain significance for Familial adenomatous polyposis 1. Last evaluated: 2024-01-16. Review status: criteria provided, single submitter. Criteria: ACMG Guidelines, 2015. Collection method: clinical testing. Allele origin: unknown.

GeneDx
Classification: Uncertain significance. Last evaluated: 2016-10-25. Review status: criteria provided, single submitter. Criteria: GeneDx Variant Classification (06012015). Collection method: clinical testing. Allele origin: germline. Affected: yes.
Comment: This in-frame deletion of three nucleotides in APC is denoted c.3504_3506delAGA at the cDNA level and p.Glu1169del (E1169del) at the protein level. The normal sequence, with the bases that are deleted in braces, is ATGA[AGA]GAAA. This deletion of a single Glutamic Acid residue occurs at a position that is conserved in mammals and is located in the 15 amino acid repeat B-catenin binding domain (Azzopardi 2008). This variant has not, to our knowledge, been published in the literature as pathogenic or benign. Since in-frame deletions may or may not inhibit proper protein functioning, the clinical significance of this finding remains unclear at this time and we consider APC Glu1169del to be a variant of uncertain significance.